The following is an entry in ClinVar:

NM_031443.4(CCM2):c.636G>C (p.Leu212=)

Gene: CCM2 (CCM2 scaffold protein; plus strand). Cytogenetic location: 7p13.
Variant type: single nucleotide variant.
Coding change: c.636G>C on transcript NM_031443.4 (MANE Select); coding-DNA position 636, G replaced by C.
Protein change: p.Leu212=; no amino-acid change (leucine 212 retained).
Molecular consequence: synonymous variant. On other transcripts: non-coding transcript variant (1), intron variant (1).
Genome position (GRCh38, 1-based): chr7:45,069,852, G>C. VCF-style: chr7-45069852-G-C. GRCh37 (hg19) VCF-style: chr7-45109451-G-C.
Other names: p.Leu212=; c.699G>C, p.Leu233= (NM_001029835.2); c.462G>C, p.Leu154= (NM_001167934.2, NM_001363459.2); c.636G>C, p.Leu212= (NM_001363458.2); c.473-2874G>C (NM_001167935.2).
Identifiers: ClinVar variation 717770 (VCV000717770.14), dbSNP rs150076154, ClinGen allele CA4247052.

ClinVar aggregate classification (germline): Benign/Likely benign. Review status: criteria provided, multiple submitters, no conflicts (2 of 4 stars). 5 submissions from 5 submitters: Benign (1); Likely benign (3). 1 of the submissions does not count toward it. Last evaluated 2025-07-16.

Conditions:
Inborn genetic diseases. Identifiers: MedGen C0950123, MeSH D030342.
Cerebral cavernous malformation 2. Also called: Familial Cerebral Cavernous Malformation 2. Identifiers: Orphanet 221061, MedGen C1864041, MONDO:0011304, OMIM 603284.
CCM2-related disorder. Also called: CCM2-related condition.

Allele frequency attached by ClinVar (database versions not stated): ExAC 0.00039; 1000 Genomes Project 0.00100; TOPMed 0.00112; ESP Exome Variant Server 0.00115; gnomAD 0.00131; 1000 Genomes Project 30x 0.00141.
gnomAD v4.1: 351 of 1,614,212 alleles (0.022%); highest among the groups gnomAD compares: African/African-American, 0.42%; no homozygotes.

Submissions (9):

Mayo Clinic Laboratories, Mayo Clinic
Classification: Likely benign. Last evaluated: 2025-07-16. Review status: criteria provided, single submitter. Criteria: ACMG Guidelines, 2015. Collection method: clinical testing. Allele origin: germline. Observed: 1 variant allele.
Comment: BS1, BP4_moderate, BP7

Labcorp Genetics (formerly Invitae), Labcorp
Classification: Benign for Cerebral cavernous malformation 2. Last evaluated: 2024-10-22. Review status: criteria provided, single submitter. Criteria: Invitae Variant Classification Sherloc (09022015). Collection method: clinical testing. Allele origin: germline.

Blueprint Genetics
Classification: Likely benign. Last evaluated: 2024-02-22. Review status: criteria provided, single submitter. Criteria: ACMG Guidelines, 2015. Collection method: clinical testing. Allele origin: germline.

Ambry Genetics
Classification: Likely benign for Inborn genetic diseases. Last evaluated: 2023-06-19. Review status: criteria provided, single submitter. Criteria: Ambry Variant Classification Scheme 2023. Collection method: clinical testing. Allele origin: germline.

PreventionGenetics, part of Exact Sciences
Classification: Likely benign for CCM2-related condition. Last evaluated: 2023-06-07. Review status: no assertion criteria provided. Collection method: clinical testing. Allele origin: germline. Not counted in ClinVar's aggregate classification.
Comment: This variant is classified as likely benign based on ACMG/AMP sequence variant interpretation guidelines (Richards et al. 2015 PMID: 25741868, with internal and published modifications).

Dr. Peter K. Rogan Lab, Western University
No classification provided (evidence only). Condition: Lung cancer. Review status: no classification provided. Collection method: in vitro. Allele origin: not applicable. Functional consequence: retained intron. Not counted in ClinVar's aggregate classification.

Dr. Peter K. Rogan Lab, Western University
No classification provided (evidence only). Condition: Familial cancer of breast. Review status: no classification provided. Collection method: in vitro. Allele origin: not applicable. Functional consequence: retained intron. Not counted in ClinVar's aggregate classification.

Dr. Peter K. Rogan Lab, Western University
No classification provided (evidence only). Condition: Colon adenocarcinoma. Review status: no classification provided. Collection method: in vitro. Allele origin: not applicable. Functional consequence: retained intron. Not counted in ClinVar's aggregate classification.

Dr. Peter K. Rogan Lab, Western University
No classification provided (evidence only). Condition: Cholangiocarcinoma. Review status: no classification provided. Collection method: in vitro. Allele origin: not applicable. Functional consequence: retained intron. Not counted in ClinVar's aggregate classification.